The following is an entry in ClinVar:

NM_012108.4(STAP1):c.523A>G (p.Met175Val)

Gene: STAP1 (signal transducing adaptor family member 1; plus strand). Cytogenetic location: 4q13.2.
Variant type: single nucleotide variant.
Coding change: c.523A>G on transcript NM_012108.4 (MANE Select); coding-DNA position 523, A replaced by G.
Protein change: p.Met175Val; replaces methionine 175 with valine.
Molecular consequence: missense variant.
Genome position (GRCh38, 1-based): chr4:67,581,464, A>G. VCF-style: chr4-67581464-A-G. GRCh37 (hg19) VCF-style: chr4-68447182-A-G.
Other names: c.523A>G, p.Met175Val (NM_001317769.2); short protein forms M175V.
Identifiers: ClinVar variation 4826058 (VCV004826058.1).
Genomic context (GRCh38, chr4:67,581,464, plus strand): 5'-AGTACGTCCGTGGAAAAAGAGAAGGAACCAACTGAAGATTATGTGGATGTACTGAACCCT[A>G]TGCCAGCGTAAGTGCACAATGAACTGCAGTTTATTCATTCGATTGTTAAAACTAATTTCT-3'
Protein context (NP_036240.1, residues 165-185): TEDYVDVLNP[Met175Val]PACFYTVSRK

ClinVar aggregate classification (germline): Uncertain significance (1 of 4 stars; one submission).

Submission:

Ambry Genetics
Classification: Uncertain significance. Last evaluated: 2026-03-12. Review status: criteria provided, single submitter. Criteria: Ambry Variant Classification Scheme 2023. Collection method: clinical testing. Allele origin: germline.
Comment: The p.M175V variant (also known as c.523A>G), located in coding exon 5 of the STAP1 gene, results from an A to G substitution at nucleotide position 523. The methionine at codon 175 is replaced by valine, an amino acid with highly similar properties. This amino acid position is conserved. In addition, this alteration is predicted to be tolerated by in silico analysis. Based on the available evidence, the clinical significance of this variant remains unclear.